The following is an entry in ClinVar:

NM_000135.4(FANCA):c.2983T>C (p.Ser995Pro)

Gene: FANCA (FA complementation group A; minus strand). Cytogenetic location: 16q24.3.
Variant type: single nucleotide variant.
Coding change: c.2983T>C on transcript NM_000135.4 (MANE Select); coding-DNA position 2983, T replaced by C.
Protein change: p.Ser995Pro; replaces serine 995 with proline.
Molecular consequence: missense variant.
Genome position (GRCh38, 1-based): chr16:89,752,221, A>G on the plus strand (T>C on the coding strand, the complement: FANCA is on the minus strand). VCF-style: chr16-89752221-A-G. GRCh37 (hg19) VCF-style: chr16-89818629-A-G.
Other names: c.2983T>C, p.Ser995Pro (NM_001286167.3); short protein forms S995P.
Identifiers: ClinVar variation 4022282 (VCV004022282.1).

ClinVar aggregate classification (germline): Uncertain significance (1 of 4 stars; one submission).

Conditions:
Inborn genetic diseases. Identifiers: MedGen C0950123, MeSH D030342.

Submission:

Ambry Genetics
Classification: Uncertain significance for Inborn genetic diseases. Last evaluated: 2025-05-17. Review status: criteria provided, single submitter. Criteria: Ambry Variant Classification Scheme 2023. Collection method: clinical testing. Allele origin: germline.
Comment: The p.S995P variant (also known as c.2983T>C), located in coding exon 31 of the FANCA gene, results from a T to C substitution at nucleotide position 2983. The serine at codon 995 is replaced by proline, an amino acid with similar properties. This amino acid position is conserved. In addition, this alteration is predicted to be tolerated by in silico analysis. Based on the available evidence, the clinical significance of this variant remains unclear.